The following is an entry in ClinVar:

ClinVar aggregate classification (germline): Uncertain significance. Review status: criteria provided, single submitter (1 of 4 stars). 2 submissions from 2 submitters: Uncertain significance (1). 1 of the submissions does not count toward it. Last evaluated 2025-07-29.

Conditions:
Nemaline myopathy 2 (NEM2). Also called: Nemaline myopathy 2, autosomal recessive. Identifiers: MedGen C1850569, MONDO:0009725, OMIM 256030.

Submissions (2):

Myriad Genetics, Inc.
Classification: Uncertain significance for Nemaline myopathy 2. Last evaluated: 2025-07-29. Review status: criteria provided, single submitter. Criteria: Myriad Autosomal Dominant, Autosomal Recessive and X-Linked Classification Criteria (2023). Collection method: clinical testing. Allele origin: unknown.
Comment: NM_001271208.1(NEB):c.11969A>C(D3990A) is a missense variant classified as a variant of uncertain significance in the context of NEB-related nemaline myopathy. D3990A has been observed in a case with relevant disease (PMID: 37025449). Relevant functional assessments of this variant are not available in the literature. D3990A has not been observed in referenced population frequency databases. In summary, there is insufficient evidence to classify NM_001271208.1(NEB):c.11969A>C(D3990A) as pathogenic or benign. Please note: this variant was assessed in the context of healthy population screening.

Al Jawhara Center for Molecular Medicine, Arabian Gulf University
Classification: Likely pathogenic for Nemaline myopathy 2. Last evaluated: 2023-01-20. Review status: no assertion criteria provided. Collection method: clinical testing. Allele origin: biparental. Affected: yes. Not counted in ClinVar's aggregate classification.
Comment: lower limb myopathy

homozygous, AR

Literature cited by the submitters: PubMed 37025449 (cited by Myriad Genetics, Inc.); DOI 10.3389/fgene.2023.1098102 (cited by Al Jawhara Center for Molecular Medicine, Arabian Gulf University).

NM_001164508.2(NEB):c.11969A>C (p.Asp3990Ala)

Gene: NEB (nebulin; minus strand). Cytogenetic location: 2q23.3.
Variant type: single nucleotide variant.
Coding change: c.11969A>C on transcript NM_001164508.2 (MANE Select); coding-DNA position 11969, A replaced by C.
Protein change: p.Asp3990Ala; replaces aspartic acid 3990 with alanine.
Molecular consequence: missense variant.
Genome position (GRCh38, 1-based): chr2:151,610,565, T>G on the plus strand (A>C on the coding strand, the complement: NEB is on the minus strand). VCF-style: chr2-151610565-T-G. GRCh37 (hg19) VCF-style: chr2-152467079-T-G.
Other names: c.11969A>C, p.Asp3990Ala (NM_001164507.2, NM_001271208.2); c.11240A>C, p.Asp3747Ala (NM_004543.5); short protein forms D3747A, D3990A.
Identifiers: ClinVar variation 2413115 (VCV002413115.3), dbSNP rs2552227842, ClinGen allele CA348778098.